The following is an entry in ClinVar:

ClinVar aggregate classification (germline): Uncertain significance (1 of 4 stars; one submission).

Allele frequency attached by ClinVar (database versions not stated): TOPMed 0.00001.

Submission:

Labcorp Genetics (formerly Invitae), Labcorp
Classification: Uncertain significance. Last evaluated: 2022-10-17. Review status: criteria provided, single submitter. Criteria: Invitae Variant Classification Sherloc (09022015). Collection method: clinical testing. Allele origin: germline.
Comment: Variants that disrupt the consensus splice site are a relatively common cause of aberrant splicing (PMID: 17576681, 9536098). In summary, the available evidence is currently insufficient to determine the role of this variant in disease. Therefore, it has been classified as a Variant of Uncertain Significance. Algorithms developed to predict the effect of missense changes on protein structure and function (SIFT, PolyPhen-2, Align-GVGD) all suggest that this variant is likely to be tolerated. This variant has not been reported in the literature in individuals affected with AP3D1-related conditions. This variant is not present in population databases (gnomAD no frequency). This sequence change replaces glycine, which is neutral and non-polar, with serine, which is neutral and polar, at codon 1059 of the AP3D1 protein (p.Gly1059Ser). This variant also falls at the last nucleotide of exon 27, which is part of the consensus splice site for this exon.

Literature cited by the submitters: PubMed 17576681; PubMed 9536098.

NM_001261826.3(AP3D1):c.3175G>A (p.Gly1059Ser)

Gene: AP3D1 (adaptor related protein complex 3 subunit delta 1; minus strand). Cytogenetic location: 19p13.3.
Variant type: single nucleotide variant.
Coding change: c.3175G>A on transcript NM_001261826.3 (MANE Select); coding-DNA position 3175, G replaced by A.
Protein change: p.Gly1059Ser; replaces glycine 1059 with serine.
Molecular consequence: missense variant.
Genome position (GRCh38, 1-based): chr19:2,110,707, C>T on the plus strand (G>A on the coding strand, the complement: AP3D1 is on the minus strand). VCF-style: chr19-2110707-C-T. GRCh37 (hg19) VCF-style: chr19-2110706-C-T.
Other names: c.3139G>A, p.Gly1047Ser (NM_001374799.1); c.2989G>A, p.Gly997Ser (NM_003938.8); short protein forms G1047S, G1059S, G997S.
Identifiers: ClinVar variation 1975938 (VCV001975938.5), dbSNP rs750821648, ClinGen allele CA304148726.
Genomic context (GRCh38, chr19:2,110,707, plus strand): 5'-ACCAGCTGCCACTGCGCTCCCACAGTCCCCAGGAGAGGCCGTGAGTGGGGCAGGGCTCAC[C>T]TGGGGGCAGCTGGAAAGGCACGGGGACGCCATCGTGGACGGAGGAGCCCTGCGGCCGGGC-3'
Protein context (NP_001248755.1, residues 1049-1069): GVPVPFQLPP[Gly1059Ser]VSNEAQYVFT